The following is an entry in ClinVar:

NM_014000.3(VCL):c.1226G>A (p.Arg409Gln)

Gene: VCL (vinculin; plus strand). Cytogenetic location: 10q22.2.
Variant type: single nucleotide variant.
Coding change: c.1226G>A on transcript NM_014000.3 (MANE Select); coding-DNA position 1226, G replaced by A.
Protein change: p.Arg409Gln; replaces arginine 409 with glutamine.
Molecular consequence: missense variant.
Genome position (GRCh38, 1-based): chr10:74,090,072, G>A. VCF-style: chr10-74090072-G-A. GRCh37 (hg19) VCF-style: chr10-75849830-G-A.
Other names: c.1226G>A, p.Arg409Gln (NM_003373.4); short protein forms R409Q.
Identifiers: ClinVar variation 1304287 (VCV001304287.8), dbSNP rs1018998675, ClinGen allele CA209700801.

ClinVar aggregate classification (germline): Uncertain significance. Review status: criteria provided, multiple submitters, no conflicts (2 of 4 stars). 2 submissions from 2 submitters: Uncertain significance (2). Last evaluated 2025-09-10.

Conditions:
Dilated cardiomyopathy 1W (CMD1W). Identifiers: Orphanet 154, MedGen C1969639, MONDO:0012667, OMIM 611407.

Allele frequency attached by ClinVar (database versions not stated): gnomAD 0.00001; gnomAD exomes 0.00002.
gnomAD v4.1: 14 of 1,614,002 alleles (0.00087%); highest among the groups gnomAD compares: East Asian, 0.0022%; no homozygotes.

Submissions (2):

Labcorp Genetics (formerly Invitae), Labcorp
Classification: Uncertain significance for Dilated cardiomyopathy 1W. Last evaluated: 2025-09-10. Review status: criteria provided, single submitter. Criteria: Invitae Variant Classification Sherloc (09022015). Collection method: clinical testing. Allele origin: germline.
Comment: This sequence change replaces arginine, which is basic and polar, with glutamine, which is neutral and polar, at codon 409 of the VCL protein (p.Arg409Gln). This variant is present in population databases (no rsID available, gnomAD 0.004%). This variant has not been reported in the literature in individuals affected with VCL-related conditions. ClinVar contains an entry for this variant (Variation ID: 1304287). An algorithm developed to predict the effect of missense changes on protein structure and function (PolyPhen-2) suggests that this variant is likely to be tolerated. In summary, the available evidence is currently insufficient to determine the role of this variant in disease. Therefore, it has been classified as a Variant of Uncertain Significance.

GeneDx
Classification: Uncertain significance. Last evaluated: 2020-09-09. Review status: criteria provided, single submitter. Criteria: GeneDx Variant Classification Process June 2021. Collection method: clinical testing. Allele origin: germline. Affected: yes.
Comment: Has not been previously published as pathogenic or benign to our knowledge; Not observed at a significant frequency in large population cohorts (Lek et al., 2016); In silico analysis supports that this missense variant does not alter protein structure/function